The following is an entry in ClinVar:

NM_001111.5(ADAR):c.2137G>T (p.Val713Phe)

Gene: ADAR (adenosine deaminase RNA specific; minus strand). Cytogenetic location: 1q21.3.
Variant type: single nucleotide variant.
Coding change: c.2137G>T on transcript NM_001111.5 (MANE Select); coding-DNA position 2137, G replaced by T.
Protein change: p.Val713Phe; replaces valine 713 with phenylalanine.
Molecular consequence: missense variant.
Genome position (GRCh38, 1-based): chr1:154,596,938, C>A on the plus strand (G>T on the coding strand, the complement: ADAR is on the minus strand). VCF-style: chr1-154596938-C-A. GRCh37 (hg19) VCF-style: chr1-154569414-C-A.
Other names: c.1252G>T, p.Val418Phe (NM_001025107.3, NM_001193495.2, NM_001365046.1 and 3 more transcripts); c.2164G>T, p.Val722Phe (NM_001365045.1); c.2137G>T, p.Val713Phe (NM_015840.4); c.2080G>T, p.Val694Phe (NM_015841.4); short protein forms V418F, V694F, V713F, V722F.
Identifiers: ClinVar variation 3752225 (VCV003752225.2).
Genomic context (GRCh38, chr1:154,596,938, plus strand): 5'-CCAAAAGGCCACCCACAGGGTTGGTGTTCAGGTATCTCACGAGCTCGCCAATCTTCCTGA[C>A]CTTGTTGGGCATCATGGATTCCAAGTTATCAAGTGACTCTGAGATCATACCTTCAGGCTA-3'
Protein context (NP_001102.3, residues 703-723): DNLESMMPNK[Val713Phe]RKIGELVRYL

ClinVar aggregate classification (germline): Uncertain significance (1 of 4 stars; one submission).

Conditions:
Symmetrical dyschromatosis of extremities (DSH). Also called: DYSCHROMATOSIS SYMMETRICA HEREDITARIA 1; RETICULATE ACROPIGMENTATION OF DOHI; SYMMETRIC DYSCHROMATOSIS OF THE EXTREMITIES; Dyschromatosis symmetrica hereditaria. Identifiers: Orphanet 41, MedGen C0406775, MONDO:0007483, OMIM 127400.
Aicardi-Goutieres syndrome 6 (AGS6). Identifiers: Orphanet 51, MedGen C3539013, MONDO:0014007, OMIM 615010.

Submission:

Labcorp Genetics (formerly Invitae), Labcorp
Classification: Uncertain significance for Aicardi-Goutieres syndrome 6; Symmetrical dyschromatosis of extremities. Last evaluated: 2024-03-01. Review status: criteria provided, single submitter. Criteria: Invitae Variant Classification Sherloc (09022015). Collection method: clinical testing. Allele origin: germline.
Comment: This sequence change replaces valine, which is neutral and non-polar, with phenylalanine, which is neutral and non-polar, at codon 713 of the ADAR protein (p.Val713Phe). This variant is not present in population databases (gnomAD no frequency). This variant has not been reported in the literature in individuals affected with ADAR-related conditions. Advanced modeling of protein sequence and biophysical properties (such as structural, functional, and spatial information, amino acid conservation, physicochemical variation, residue mobility, and thermodynamic stability) performed at Invitae indicates that this missense variant is not expected to disrupt ADAR protein function with a negative predictive value of 80%. In summary, the available evidence is currently insufficient to determine the role of this variant in disease. Therefore, it has been classified as a Variant of Uncertain Significance.